The following continues an entry in ClinVar:

NM_020975.6(RET):c.1858T>C (p.Cys620Arg)

Gene: RET. ClinVar aggregate classification (germline): Pathogenic. Pathogenic (15).

Submissions 11 to 17 of 17:

ARUP Laboratories, Molecular Genetics and Genomics, ARUP Laboratories
Classification: Pathogenic. Last evaluated: 2023-03-28. Review status: criteria provided, single submitter. Criteria: ARUP Molecular Germline Variant Investigation Process 2024. Collection method: clinical testing. Allele origin: germline.
Comment: The RET c.1858T>C, p.Cys620Arg variant (rs77316810) is reported in the literature in multiple individuals affected with multiple endocrine neoplasia type 2A (MEN2A) and/or familial medullary thyroid carcinoma (FMTC) (Donis-Keller 1993, Boedeker 2009, Hedayati 2011, Vaclavikova 2012). This variant is also reported in ClinVar (Variation ID: 13915). This variant is absent from general population databases (Exome Variant Server, Genome Aggregation Database), indicating it is not a common polymorphism. Computational analyses predict that this variant is deleterious (REVEL: 0.897). Based on the above information, the variant is classified as pathogenic. References: Boedeker CC et al. Head and neck paragangliomas in von Hippel-Lindau disease and multiple endocrine neoplasia type 2. J Clin Endocrinol Metab. 2009 Jun;94(6):1938-44. PMID: 19336503. Donis-Keller H et al. Mutations in the RET proto-oncogene are associated with MEN 2A and FMTC. Hum Mol Genet. 1993 Jul;2(7):851-6. PMID: 8103403. Hedayati M et al. Predominant RET Germline Mutations in Exons 10, 11, and 16 in Iranian Patients with Hereditary Medullary Thyroid Carcinoma. J Thyroid Res. 2011:264248. PMID: 21765987. Vaclavikova E et al. Hirschsprung's disease and medullary thyroid carcinoma: 15-year experience with molecular genetic screening of the RET proto-oncogene. Pediatr Surg Int. 2012 Feb;28(2):123-8. PMID: 21986619.

GeneDx
Classification: Pathogenic. Last evaluated: 2022-12-27. Review status: criteria provided, single submitter. Criteria: GeneDx Variant Classification Process June 2021. Collection method: clinical testing. Allele origin: germline. Affected: yes.
Comment: Published functional studies demonstrate a damaging effect: auto-kinase and phoshorylation activities, increased proliferation activity, impaired protein maturation, decreased cell surface expression, mouse model demonstrating tumorigenesis and intestinal hypoganglionosis (Ito 1997, Chappuis-Flament 1998, Arighi 2004, Carniti 2006, Yin 2007); Not observed at significant frequency in large population cohorts (gnomAD); In silico analysis supports that this missense variant has a deleterious effect on protein structure/function; This variant is associated with the following publications: (PMID: 9384613, 9067749, 9230192, 7835899, 18209889, 19853744, 17514199, 17623957, 21986619, 23744765, 30763276, 16158949, 20979234, 29020875, 12711285, 33340421, 7633441, 16565500, 19336503, 18206480, 15355438, 21765987, 18062802, 20152359, 7881414, 22584707, 20516206, 9681852, 7874109, 25694125, 9090527, 9824583, 17021738, 22584721, 25810047, 7915165, 17372903, 18063059, 8909322, 17316110, 14715928, 9879991, 22897442, 31510104, 31447099, 32179705, 33178136, 30787465, 34987852, 17188172, 11955539, 30349395, 27207748, 11564857, 27847096, 19469690, 8918855, 33754314, 17102091, 15744028, 10790203, 14633923)

Women's Health and Genetics/Laboratory Corporation of America, LabCorp
Classification: Pathogenic for Multiple endocrine neoplasia, type 2. Last evaluated: 2021-12-07. Review status: criteria provided, single submitter. Criteria: LabCorp Variant Classification Summary - May 2015. Collection method: clinical testing. Allele origin: germline.
Comment: Variant summary: RET c.1858T>C (p.Cys620Arg) results in a non-conservative amino acid change in the encoded protein sequence. Five of five in-silico tools predict a damaging effect of the variant on protein function. The variant was absent in 248804 control chromosomes (gnomAD). c.1858T>C has been reported in the literature in multiple individuals and families affected with Multiple Endocrine Neoplasia Type 2, Familial Medullary Thyroid Carcinoma and Hirschsprung Disease (e.g. Mulligan_1994, Hedayati_2011, Mathiesen_2017). These data indicate that the variant is very likely to be associated with disease. Experimental evidence evaluating an impact on protein function demonstrated that C620R-expressing cells are unable to migrate, differentiate, and be protected from apoptosis in response to GDNF but they possess ligand-independent rapid proliferation activity, providing an explanation for the ability of the variant to lead to both gain- and loss-of-function RET-associated diseases (Mograbi_2001, Arighi_2004). Six ClinVar submitters (evaluation after 2014) cite the variant as pathogenic. Based on the evidence outlined above, the variant was classified as pathogenic.

Clinical Genetics and Genomics, Karolinska University Hospital
Classification: Pathogenic. Last evaluated: 2018-05-31. Review status: criteria provided, single submitter. Criteria: ACMG Guidelines, 2015. Collection method: clinical testing. Allele origin: germline. Affected: yes. Observed: 1 variant allele.

Laboratory for Molecular Medicine, Mass General Brigham Personalized Medicine
Classification: Pathogenic for Aganglionic megacolon; Multiple endocrine neoplasia, type 2. Last evaluated: 2018-01-03. Review status: criteria provided, single submitter. Criteria: LMM Criteria. Collection method: clinical testing. Allele origin: germline. Inheritance: Autosomal dominant inheritance. Observed: 2 variant alleles.
Comment: The p.Cys620Arg variant in RET has been reported in over 30 individuals with cli nical features of multiple endocrine neoplasia type 2A (MEN2A; Mathiesen 2017, C huang 2016, Heilman 2016, Yeganeh 2015, Virtanen 2013, Frank-Raue 2011, Moore 20 09, Fialkowski 2008, Hofstra 2000, Schuffenecker 1994) and was absent from large population databases. The variant segregated with the disease in >50 affected r elatives (Mathiesen 2017, Vaclavikova 2012, Moore 2009, Fialkowski 2008, Hofstra 2000, Romeo 1998, Mulligan 1994). Multiple individuals with this variant were a lso determined to have Hirschsprung disease. This variant has also been reported by other clinical laboratories in ClinVar (Variation ID#13915). In vitro functi onal studies provide some evidence that the p.Cys620Arg variant may impact prote in function (Arighi 2004, Chappuis-Flament 1998, Ito 1997). Mouse animal models have shown that this variant causes pre-cancerous lesions in the adrenal gland a nd C-cell hyperplasia in aged mice in heterozygotes, and kidney agenesis and int estinal aganglionosis in homozygotes (Yin 2007, Carniti 2006). In summary, this variant meets criteria to be classified as pathogenic for MEN2A in an autosomal dominant manner based upon segregation studies, absence from controls, and funct ional evidence. This variant is also associated with a risk of developing Hirsch sprung disease. Pathogenic variants in exon 10 of RET, especially affecting codo ns 618 and 620, often cause both MEN 2A and Hirschsprung disease (Eng 1996, Amer ican Thyroid Association Guidelines Task Force 2009). ACMG/AMP Criteria applied (Richards 2015): PS4, PP1_Strong, PM2, PM5, PS3_Moderate, PP3.

OMIM
Classification: Pathogenic for MULTIPLE ENDOCRINE NEOPLASIA, TYPE IIA. Last evaluated: 2013-09-04. Review status: no assertion criteria provided. Collection method: literature only. Allele origin: germline. Not counted in ClinVar's aggregate classification.

Human Genomics Unit, Institute for molecular medicine Finland (FIMM)
Classification: Likely pathogenic for Hirschsprung disease. Last evaluated: 2013-01-01. Review status: no assertion criteria provided. Collection method: research. Allele origin: unknown. Affected: yes. Observed: 1 variant allele. Not counted in ClinVar's aggregate classification.

Literature cited by the submitters: PubMed 7874109 (cited by 4 submitters); PubMed 7881414 (cited by 5 submitters); PubMed 9090527 (cited by Labcorp Genetics (formerly Invitae), Labcorp and Laboratory for Molecular Medicine, Mass General Brigham Personalized Medicine); PubMed 9681852 (cited by 3 submitters); PubMed 10790203 (cited by 3 submitters); PubMed 19336503 (cited by 3 submitters); PubMed 21765987 (cited by 4 submitters); PubMed 21986619 (cited by 4 submitters); PubMed 9230192 (cited by 5 submitters); PubMed 9879991 (cited by 3 submitters); PubMed 14715928 (cited by 6 submitters); PubMed 16705552 (cited by Dasa); PubMed 19443294 (cited by Dasa); PubMed 20979234 (cited by 3 submitters); PubMed 30349395 (cited by 3 submitters); PubMed 16565500 (cited by Dasa and Laboratory for Molecular Medicine, Mass General Brigham Personalized Medicine); PubMed 18206480 (cited by 3 submitters); PubMed 33754314 (cited by Dasa and Myriad Genetics, Inc.); PubMed 22584707 (cited by Dasa); PubMed 20152359 (cited by Dasa and Center for Genomic Medicine, Rigshospitalet, Copenhagen University Hospital); PubMed 9384613 (cited by Dasa); PubMed 19853744 (cited by Dasa and Laboratory for Molecular Medicine, Mass General Brigham Personalized Medicine); PubMed 17623957 (cited by Dasa); PubMed 27847096 (cited by Dasa and Laboratory for Molecular Medicine, Mass General Brigham Personalized Medicine); PubMed 25694125 (cited by Dasa and Laboratory for Molecular Medicine, Mass General Brigham Personalized Medicine); PubMed 23744765 (cited by Dasa and Laboratory for Molecular Medicine, Mass General Brigham Personalized Medicine); PubMed 7633441 (cited by Dasa and Laboratory for Molecular Medicine, Mass General Brigham Personalized Medicine); PubMed 18209889 (cited by Dasa); PubMed 7835899 (cited by Dasa); PubMed 29656518 (cited by Dasa); PubMed 15744028 (cited by Ambry Genetics); PubMed 34987852 (cited by Ambry Genetics); PubMed 11564857 (cited by Center for Genomic Medicine, Rigshospitalet, Copenhagen University Hospital and Women's Health and Genetics/Laboratory Corporation of America, LabCorp); PubMed 17102091 (cited by Myriad Genetics, Inc.); PubMed 37046785 (cited by Myriad Genetics, Inc.); PubMed 24616415 (cited by Myriad Genetics, Inc.); PubMed 25810047 (cited by Myriad Genetics, Inc.); PubMed 29020875 (cited by Women's Health and Genetics/Laboratory Corporation of America, LabCorp and Laboratory for Molecular Medicine, Mass General Brigham Personalized Medicine); PubMed 17372903 (cited by Laboratory for Molecular Medicine, Mass General Brigham Personalized Medicine); PubMed 27207748 (cited by Laboratory for Molecular Medicine, Mass General Brigham Personalized Medicine); PubMed 19469690 (cited by Laboratory for Molecular Medicine, Mass General Brigham Personalized Medicine); PubMed 8918855 (cited by Laboratory for Molecular Medicine, Mass General Brigham Personalized Medicine).